The following is an entry in ClinVar:

NM_001844.5(COL2A1):c.3523G>T (p.Asp1175Tyr)

Gene: COL2A1 (collagen type II alpha 1 chain; minus strand). Cytogenetic location: 12q13.11.
Variant type: single nucleotide variant.
Coding change: c.3523G>T on transcript NM_001844.5 (MANE Select); coding-DNA position 3523, G replaced by T.
Protein change: p.Asp1175Tyr; replaces aspartic acid 1175 with tyrosine.
Molecular consequence: missense variant.
Genome position (GRCh38, 1-based): chr12:47,976,037, C>A on the plus strand (G>T on the coding strand, the complement: COL2A1 is on the minus strand). VCF-style: chr12-47976037-C-A. GRCh37 (hg19) VCF-style: chr12-48369820-C-A.
Other names: c.3316G>T, p.Asp1106Tyr (NM_033150.3); short protein forms D1106Y, D1175Y.
Identifiers: ClinVar variation 3690253 (VCV003690253.2).
Genomic context (GRCh38, chr12:47,976,037, plus strand): 5'-CGCCTGATCGTCCACGGGGACCAGGAGGCCCAATGGGGCCAGGGATTCCATTAGCACCAT[C>A]TTTGCCAGAGGGACCGACGGGGCCAGGAGGACCCTGCAAGAGAGAGAGGTCGTGAGGAAA-3'
Protein context (NP_001835.3, residues 1165-1185): PPGPVGPSGK[Asp1175Tyr]GANGIPGPIG

ClinVar aggregate classification (germline): Uncertain significance (1 of 4 stars; one submission).

Submission:

Labcorp Genetics (formerly Invitae), Labcorp
Classification: Uncertain significance. Last evaluated: 2024-10-12. Review status: criteria provided, single submitter. Criteria: Invitae Variant Classification Sherloc (09022015). Collection method: clinical testing. Allele origin: germline.
Comment: This sequence change replaces aspartic acid, which is acidic and polar, with tyrosine, which is neutral and polar, at codon 1175 of the COL2A1 protein (p.Asp1175Tyr). This variant is not present in population databases (gnomAD no frequency). This missense change has been observed in individual(s) with clinical features of COL2A1-related conditions (PMID: 26566670). Invitae Evidence Modeling of protein sequence and biophysical properties (such as structural, functional, and spatial information, amino acid conservation, physicochemical variation, residue mobility, and thermodynamic stability) indicates that this missense variant is expected to disrupt COL2A1 protein function with a positive predictive value of 95%. In summary, the available evidence is currently insufficient to determine the role of this variant in disease. Therefore, it has been classified as a Variant of Uncertain Significance.

Literature cited by the submitters: PubMed 26566670.